The following is an entry in ClinVar:

NM_198252.3(GSN):c.-10+5192T>C

Genes: GSN (gelsolin; plus strand), LOC126860753 (MED14-independent group 3 enhancer GRCh37_chr9:124048350-124049549; plus strand). Cytogenetic location: 9q33.2.
Variant type: single nucleotide variant.
Coding change: c.-10+5192T>C on transcript NM_198252.3 (MANE Select); 5192 bases into the intron after 10 bases upstream of the start codon, T replaced by C.
Molecular consequence: intron variant. On other transcripts: missense variant (1), 5 prime UTR variant (1).
Genome position (GRCh38, 1-based): chr9:121,286,754, T>C. VCF-style: chr9-121286754-T-C. GRCh37 (hg19) VCF-style: chr9-124049032-T-C.
Other names: c.8T>C, p.Leu3Pro (NM_001258030.2); c.-55T>C (NM_001353071.2); c.-10+5192T>C (NM_001353054.1, NM_001353053.1, NM_001353060.2 and 2 more transcripts); c.-48+5192T>C (NM_001353064.2, NM_001353066.2, NM_001353076.2 and 1 more transcripts); c.-2+5192T>C (NM_001353058.2, NM_001353057.2); c.-39+4204T>C (NM_001353073.2, NM_001353068.2); c.-39+4801T>C (NM_001353065.2); c.-10+4801T>C (NM_001127664.2); and 14 more; short protein forms L3P.
Identifiers: ClinVar variation 4822599 (VCV004822599.4).

ClinVar aggregate classification (germline): Uncertain significance (1 of 4 stars; one submission).

Submission:

CeGaT Center for Human Genetics Tuebingen
Classification: Uncertain significance. Last evaluated: 2026-03-01. Review status: criteria provided, single submitter. Criteria: CeGaT Center For Human Genetics Tuebingen Variant Classification Criteria Version 2. Collection method: clinical testing. Allele origin: germline. Affected: yes. Observed: 1 variant allele.
Comment: GSN: PM2, BP4